The following is an entry in ClinVar:

ClinVar aggregate classification (germline): Uncertain significance (1 of 4 stars; one submission).

Conditions:
Amyotrophic lateral sclerosis type 4 (ALS4). Also called: NEURONOPATHY, DISTAL HEREDITARY MOTOR, WITH PYRAMIDAL FEATURES; AMYOTROPHIC LATERAL SCLEROSIS 4, JUVENILE. Identifiers: Orphanet 357043, MedGen C1865409, MONDO:0011223, OMIM 602433.
Spinocerebellar ataxia, autosomal recessive, with axonal neuropathy 2 (SCAN2). Also called: Ataxia with Oculomotor Apraxia; Ataxia with Oculomotor Apraxia Type 2; ATAXIA-OCULOMOTOR APRAXIA 2; Ataxia-ocular apraxia-2. Identifiers: Orphanet 64753, MedGen C1853761, MONDO:0018996, OMIM 606002.

gnomAD v4.1: 2 of 1,612,598 alleles (0.00012%); highest among the groups gnomAD compares: Non-Finnish European, 0.00017%; no homozygotes.

Submission:

Labcorp Genetics (formerly Invitae), Labcorp
Classification: Uncertain significance for Amyotrophic lateral sclerosis type 4; Spinocerebellar ataxia, autosomal recessive, with axonal neuropathy 2. Last evaluated: 2022-12-06. Review status: criteria provided, single submitter. Criteria: Invitae Variant Classification Sherloc (09022015). Collection method: clinical testing. Allele origin: germline.
Comment: In summary, the available evidence is currently insufficient to determine the role of this variant in disease. Therefore, it has been classified as a Variant of Uncertain Significance. Algorithms developed to predict the effect of sequence changes on RNA splicing suggest that this variant may create or strengthen a splice site. Algorithms developed to predict the effect of missense changes on protein structure and function are either unavailable or do not agree on the potential impact of this missense change (SIFT: "Deleterious"; PolyPhen-2: "Possibly Damaging"; Align-GVGD: "Class C0"). This variant has not been reported in the literature in individuals affected with SETX-related conditions. This variant is not present in population databases (gnomAD no frequency). This sequence change replaces arginine, which is basic and polar, with serine, which is neutral and polar, at codon 337 of the SETX protein (p.Arg337Ser).

NM_015046.7(SETX):c.1011G>C (p.Arg337Ser)

Gene: SETX (senataxin; minus strand). Cytogenetic location: 9q34.13.
Variant type: single nucleotide variant.
Coding change: c.1011G>C on transcript NM_015046.7 (MANE Select); coding-DNA position 1011, G replaced by C.
Protein change: p.Arg337Ser; replaces arginine 337 with serine.
Molecular consequence: missense variant.
Genome position (GRCh38, 1-based): chr9:132,331,139, C>G on the plus strand (G>C on the coding strand, the complement: SETX is on the minus strand). VCF-style: chr9-132331139-C-G. GRCh37 (hg19) VCF-style: chr9-135206526-C-G.
Other names: c.1011G>C, p.Arg337Ser (NM_001351527.2, NM_001351528.2); short protein forms R337S.
Identifiers: ClinVar variation 2186790 (VCV002186790.4), dbSNP rs990341832, ClinGen allele CA200815249.